The following is an entry in ClinVar:

ClinVar aggregate classification (germline): Benign. Review status: criteria provided, multiple submitters, no conflicts (2 of 4 stars). 2 submissions from 2 submitters: Benign (2). Last evaluated 2018-06-14.

Allele frequency attached by ClinVar (database versions not stated): ESP Exome Variant Server 0.10025; TOPMed 0.10151; 1000 Genomes Project 0.10264; 1000 Genomes Project 30x 0.10650; gnomAD exomes 0.11039 and 0.11795; gnomAD 0.11159 and 0.11212; ExAC 0.11335.
gnomAD v4.1: 180,569 of 1,542,026 alleles (12%); highest among the groups gnomAD compares: Non-Finnish European, 12%; 10,922 homozygotes.

Submissions (2):

GeneDx
Classification: Benign. Last evaluated: 2018-06-14. Review status: criteria provided, single submitter. Criteria: GeneDx Variant Classification (06012015). Collection method: clinical testing. Allele origin: germline. Affected: yes.
Comment: This variant is considered likely benign or benign based on one or more of the following criteria: it is a conservative change, it occurs at a poorly conserved position in the protein, it is predicted to be benign by multiple in silico algorithms, and/or has population frequency not consistent with disease.

Breakthrough Genomics
Classification: Benign. Review status: criteria provided, single submitter. Criteria: ACMG Guidelines, 2015. Collection method: not provided. Allele origin: germline. Inheritance: Autosomal recessive inheritance. Affected: yes.

NM_001377.3(DYNC2H1):c.10696-43A>G

Gene: DYNC2H1 (dynein cytoplasmic 2 heavy chain 1; plus strand). Cytogenetic location: 11q22.3.
Variant type: single nucleotide variant.
Coding change: c.10696-43A>G on transcript NM_001377.3 (MANE Select); 43 bases into the intron before coding-DNA position 10696, A replaced by G.
Molecular consequence: intron variant.
Genome position (GRCh38, 1-based): chr11:103,280,305, A>G. VCF-style: chr11-103280305-A-G. GRCh37 (hg19) VCF-style: chr11-103151034-A-G.
Other names: c.10717-43A>G (NM_001080463.2).
Identifiers: ClinVar variation 675081 (VCV000675081.2), dbSNP rs7103616, ClinGen allele CA6255037.
Genomic context (GRCh38, chr11:103,280,305, plus strand): 5'-ATGAAGACAGAATAGAGATTTTTGTGTGCCAAATTTTAACGACTATGCTTTTCCAAAGAC[A>G]CAAATTTTTAAAAGGCAAGATAATATCTGTTATTCTTTGCAGGCTGATCAGTTGATGTTC-3'